The following is an entry in ClinVar:

NM_001042492.3(NF1):c.7909C>T (p.Arg2637Ter)

Gene: NF1 (neurofibromin 1; plus strand). Cytogenetic location: 17q11.2.
Variant type: single nucleotide variant.
Coding change: c.7909C>T on transcript NM_001042492.3 (MANE Select); coding-DNA position 7909, C replaced by T.
Protein change: p.Arg2637Ter; replaces arginine 2637 with a stop codon.
Molecular consequence: nonsense.
Genome position (GRCh38, 1-based): chr17:31,357,308, C>T. VCF-style: chr17-31357308-C-T. GRCh37 (hg19) VCF-style: chr17-29684326-C-T.
Other names: c.7846C>T, p.Arg2616Ter (NM_000267.4); short protein forms R2616*, R2637*.
Identifiers: ClinVar variation 184261 (VCV000184261.96), dbSNP rs786201367, ClinGen allele CA188413.
Genomic context (GRCh38, chr17:31,357,308, plus strand): 5'-TACTTTTTTGCATCTTGGCAGGCTACACTGGTAAAATATACCACAGATGAGTTTGATCAA[C>T]GAATTCTTTATGAATACTTAGCAGAGGCCAGTGTTGTGTTTCCCAAAGTCTTTCCTGTTG-3'

ClinVar aggregate classification (germline): Pathogenic/Likely pathogenic. Review status: criteria provided, multiple submitters, no conflicts (2 of 4 stars). 30 submissions from 30 submitters: Pathogenic (27); Likely pathogenic (1). 2 of the submissions do not count toward it. Last evaluated 2026-02-03.
ClinVar aggregate classification (oncogenicity): Oncogenic (1 of 4 stars; one submission).

Conditions:
Tibial pseudarthrosis. Identifiers: MedGen C4024216, HP:0009736.
Neurofibromatosis, type 1 (NF1). Also called: NEUROFIBROMATOSIS, TYPE I, SOMATIC; Peripheral type neurofibromatosis; Neurofibromatosis, type I; VON RECKLINGHAUSEN DISEASE. Identifiers: Orphanet 636, MedGen C0027831, MONDO:0018975, OMIM 162200. Disease mechanism: loss of function.
Juvenile myelomonocytic leukemia (JMML). Also called: LEUKEMIA, JUVENILE MYELOMONOCYTIC, SOMATIC. Identifiers: Orphanet 86834, MedGen C0349639, MONDO:0011908, OMIM 607785, HP:0012209.
Neurofibromatosis-Noonan syndrome (NFNS). Also called: NEUROFIBROMATOSIS WITH NOONAN PHENOTYPE. Identifiers: Orphanet 638, MedGen C2931482, MONDO:0011035, OMIM 601321. Disease mechanism: loss of function.
Café-au-lait macules with pulmonary stenosis (WTSN). Also called: PULMONIC STENOSIS WITH CAFE-AU-LAIT SPOTS. Identifiers: MedGen C0553586, MONDO:0008672, OMIM 193520.
Neurofibromatosis, familial spinal (FSNF). Identifiers: Orphanet 636, MedGen C1834235, MONDO:0008078, OMIM 162210. Disease mechanism: loss of function.
Hereditary cancer-predisposing syndrome. Also called: Tumor predisposition; Hereditary neoplastic syndrome; Neoplastic Syndromes, Hereditary; Hereditary Cancer Syndrome. Identifiers: Orphanet 140162, MedGen C0027672, MeSH D009386, MONDO:0015356.
NF1-related disorder. Also called: NF1-related condition. Identifiers: MedGen CN379171.
Neoplasm. Also called: Neoplasms; Neoplasm (disease); tumor. Identifiers: MedGen C0027651, MeSH D009369, MONDO:0005070, HP:0002664.

Allele frequency attached by ClinVar (database versions not stated): TOPMed below 0.00001; gnomAD exomes below 0.00001.
gnomAD v4.1: 3 of 1,613,968 alleles (0.00019%); highest among the groups gnomAD compares: East Asian, 0.0022%; no homozygotes.

Submissions 1 to 12 of 31:

Center for Genomic Medicine, Rigshospitalet, Copenhagen University Hospital
Classification: Oncogenic for Neoplasm. Last evaluated: 2026-10-16. Review status: criteria provided, single submitter. Criteria: ClinGen/CGC/VICC Guidelines for Oncogenicity, 2022. Collection method: clinical testing. Allele origin: somatic. Affected: yes.

Labcorp Genetics (formerly Invitae), Labcorp
Classification: Pathogenic for Neurofibromatosis, type 1. Last evaluated: 2026-02-03. Review status: criteria provided, single submitter. Criteria: Invitae Variant Classification Sherloc (09022015). Collection method: clinical testing. Allele origin: germline.
Comment: This sequence change creates a premature translational stop signal (p.Arg2616*) in the NF1 gene. It is expected to result in an absent or disrupted protein product. Loss-of-function variants in NF1 are known to be pathogenic (PMID: 10712197, 23913538). This variant is not present in population databases (gnomAD no frequency). This premature translational stop signal has been observed in individuals with neurofibromatosis type 1 (PMID: 8544190, 10712197, 15146469, 25074460, 25326637, 27838393). Invitae Evidence Modeling of clinical and family history, age, sex, and reported ancestry of multiple individuals with this NF1 variant has been performed. This variant is expected to be pathogenic with a positive predictive value of at least 99%. This is a validated machine learning model that incorporates the clinical features of 1,785,918 individuals referred to our laboratory for NF1 testing. ClinVar contains an entry for this variant (Variation ID: 184261). RNA analysis performed to evaluate the impact of this premature translational stop signal on mRNA splicing indicates it does not significantly alter splicing (internal data). For these reasons, this variant has been classified as Pathogenic.

3billion
Classification: Pathogenic for NF1-related disorder. Last evaluated: 2025-05-22. Review status: criteria provided, single submitter. Criteria: ACMG Guidelines, 2015. Collection method: clinical testing. Allele origin: germline. Affected: yes.
Comment: The variant is observed at an extremely low frequency in the gnomAD v4.1.0 dataset (total allele frequency: <0.001%). Predicted Consequence/Location: Stop-gained (nonsense): predicted to result in a loss or disruption of normal protein function through nonsense-mediated decay (NMD) or protein truncation. Multiple pathogenic variants are reported downstream of the variant. The variant has been reported at least twice as pathogenic with clinical assertions and evidence for the classification (ClinVar ID: VCV000184261 /PMID: 8544190 /3billion dataset). Therefore, this variant is classified as Pathogenic according to the recommendation of ACMG/AMP guideline.

PreventionGenetics, part of Exact Sciences
Classification: Pathogenic for NF1-related condition. Last evaluated: 2025-03-12. Review status: criteria provided, single submitter. Criteria: ACMG Guidelines, 2015. Collection method: clinical testing. Allele origin: germline.
Comment: The NF1 c.7909C>T variant is predicted to result in premature protein termination (p.Arg2637*). This variant, also referred to as c.7846C>T (p.Arg2616*), has been reported in multiple individuals with neurofibromatosis type 1 (Upadhyaya. 1995. PubMed ID: 8544190; Vuralli. 2016. PubMed ID: 26758488; Zhu. 2016. PubMed ID: 26962827; Table S3 - LaDuca. 2017. PubMed ID: 28152038; Gieldon. 2018. PubMed ID: 29158289). This variant has not been reported in a large population database (gnomAD), indicating it is rare. This variant is interpreted as pathogenic/likely pathogenic in ClinVar. Nonsense variants in NF1 are expected to be pathogenic. This variant is interpreted as pathogenic.

Laboratory of Genetics, Children's Clinical University Hospital Latvia
Classification: Pathogenic. Last evaluated: 2025-02-16. Review status: criteria provided, single submitter. Criteria: ACMG Guidelines, 2015. Collection method: clinical testing. Allele origin: germline. Affected: yes.

NHS Central & South Genomic Laboratory Hub
Classification: Pathogenic for Neurofibromatosis type 1. Last evaluated: 2024-11-12. Review status: criteria provided, single submitter. Criteria: ACMG Guidelines, 2015. Collection method: clinical testing. Allele origin: germline. Affected: yes.

Blueprint Genetics
Classification: Pathogenic for NF1-related disorders. Last evaluated: 2024-10-25. Review status: criteria provided, single submitter. Criteria: ACMG Guidelines, 2015. Collection method: clinical testing. Allele origin: germline. Affected: yes. Observed: 5 variant alleles.

Institute of Human Genetics, University of Leipzig Medical Center
Classification: Pathogenic for Neurofibromatosis-Noonan syndrome. Last evaluated: 2024-09-09. Review status: criteria provided, single submitter. Criteria: ACMG Guidelines, 2015. Collection method: clinical testing. Allele origin: de novo. Inheritance: Autosomal dominant inheritance. Affected: yes.
Comment: Criteria applied: PVS1,PS4,PS2_MODPM2_SUP

Division of Genetic & Genomic Pathology, Hong Kong Children's Hospital
Classification: Pathogenic for Neurofibromatosis, type 1. Last evaluated: 2024-08-20. Review status: criteria provided, single submitter. Criteria: ACMG Guidelines, 2015. Collection method: clinical testing. Allele origin: germline. Affected: yes.
Comment: The nonsense NF1 c.7846C>T variant creates a premature stop codon in exon 53 (out of 57 exons), and is predicted to result in loss of protein function by nonsense-mediated mRNA decay. The variant is present at a very low frequency in the control populations (gnomAD 4.1.0: total 3 in 1,613,968 alleles). It has been reported in multiple patients with neurofibromatosis type 1 (PMID: 8544190, 26758488, 34427956, 36612057, ClinVar accession: VCV000184261.64). For these reasons, this variant is classified as pathogenic.

Genomic Medicine Center of Excellence, King Faisal Specialist Hospital and Research Centre
Classification: Pathogenic for Neurofibromatosis, type 1. Last evaluated: 2024-03-25. Review status: criteria provided, single submitter. Criteria: ACMG Guidelines, 2015. Collection method: clinical testing. Allele origin: germline.

Baylor Genetics
Classification: Pathogenic for Juvenile myelomonocytic leukemia. Last evaluated: 2024-01-23. Review status: criteria provided, single submitter. Criteria: ACMG Guidelines, 2015. Collection method: clinical testing. Allele origin: unknown.

Quest Diagnostics Nichols Institute San Juan Capistrano
Classification: Pathogenic. Last evaluated: 2024-01-19. Review status: criteria provided, single submitter. Criteria: Quest Diagnostics criteria. Collection method: clinical testing. Allele origin: unknown.
Comment: The NF1 c.7846C>T (p.Arg2616*) variant causes the premature termination of NF1 protein synthesis. This variant has been reported in the published literature in multiple individuals and families affected with NF1 (PMIDs: 29158289 (2018), 26962827 (2016), 26758488 (2016), 15146469 (2004), 10712197 (2000), 8544190 (1995)). This variant has not been reported in large, multi-ethnic general populations (Genome Aggregation Database). Based on the available information, this variant is classified as pathogenic.